The following is an entry in ClinVar:

ClinVar aggregate classification (germline): Likely benign. Review status: criteria provided, multiple submitters, no conflicts (2 of 4 stars). 2 submissions from 2 submitters: Likely benign (2). Last evaluated 2025-11-27.

Conditions:
PIGA-related disorder. Also called: PIGA-related condition.
Multiple congenital anomalies-hypotonia-seizures syndrome 2 (MCAHS2). Also called: GLYCOSYLPHOSPHATIDYLINOSITOL BIOSYNTHESIS DEFECT 4; EPILEPTIC ENCEPHALOPATHY, EARLY INFANTILE, 20. Identifiers: Orphanet 300496, MedGen C3275508, MONDO:0010466, OMIM 300868.

Allele frequency attached by ClinVar (database versions not stated): gnomAD exomes 0.00001 and 0.00002; TOPMed 0.00001; gnomAD 0.00003.
gnomAD v4.1: 24 of 1,203,904 alleles (0.002%); highest among the groups gnomAD compares: Non-Finnish European, 0.0027%; no homozygotes.

Submissions (2):

Labcorp Genetics (formerly Invitae), Labcorp
Classification: Likely benign for Multiple congenital anomalies-hypotonia-seizures syndrome 2. Last evaluated: 2025-11-27. Review status: criteria provided, single submitter. Criteria: Invitae Variant Classification Sherloc (09022015). Collection method: clinical testing. Allele origin: germline.

PreventionGenetics, part of Exact Sciences
Classification: Likely benign for PIGA-related condition. Last evaluated: 2025-11-13. Review status: criteria provided, single submitter. Criteria: ACMG Guidelines, 2015. Collection method: clinical testing. Allele origin: germline.
Comment: This variant is classified as likely benign based on ACMG/AMP sequence variant interpretation guidelines (Richards et al. 2015 PMID: 25741868, with internal and published modifications).

NM_002641.4(PIGA):c.1422G>A (p.Gly474=)

Gene: PIGA (phosphatidylinositol glycan anchor biosynthesis class A; minus strand). Cytogenetic location: Xp22.2.
Variant type: single nucleotide variant.
Coding change: c.1422G>A on transcript NM_002641.4 (MANE Select); coding-DNA position 1422, G replaced by A.
Protein change: p.Gly474=; no amino-acid change (glycine 474 retained).
Molecular consequence: synonymous variant. On other transcripts: non-coding transcript variant (2).
Genome position (GRCh38, 1-based): chrX:15,321,539, C>T on the plus strand (G>A on the coding strand, the complement: PIGA is on the minus strand). VCF-style: chrX-15321539-C-T. GRCh37 (hg19) VCF-style: chrX-15339661-C-T.
Other names: c.720G>A, p.Gly240= (NM_020473.3).
Identifiers: ClinVar variation 539327 (VCV000539327.12), dbSNP rs1381482858, ClinGen allele CA515463895.